The following is an entry in ClinVar:

NM_004247.4(EFTUD2):c.335C>T (p.Thr112Met)

Gene: EFTUD2 (elongation factor Tu GTP binding domain containing 2; minus strand). Cytogenetic location: 17q21.31.
Variant type: single nucleotide variant.
Coding change: c.335C>T on transcript NM_004247.4 (MANE Select); coding-DNA position 335, C replaced by T.
Protein change: p.Thr112Met; replaces threonine 112 with methionine.
Molecular consequence: missense variant.
Genome position (GRCh38, 1-based): chr17:44,885,271, G>A on the plus strand (C>T on the coding strand, the complement: EFTUD2 is on the minus strand). VCF-style: chr17-44885271-G-A. GRCh37 (hg19) VCF-style: chr17-42962639-G-A.
Other names: c.230C>T, p.Thr77Met (NM_001142605.2); c.335C>T, p.Thr112Met (NM_001258353.2, NM_001258354.2); short protein forms T77M, T112M.
Identifiers: ClinVar variation 2463713 (VCV002463713.3), dbSNP rs759029404, ClinGen allele CA8608142.

ClinVar aggregate classification (germline): Conflicting classifications of pathogenicity. Review status: criteria provided, conflicting classifications (1 of 4 stars). 2 submissions from 2 submitters: Uncertain significance (1); Likely benign (1). Last evaluated 2025-07-30.

Conditions:
Inborn genetic diseases. Identifiers: MedGen C0950123, MeSH D030342.

Allele frequency attached by ClinVar (database versions not stated): TOPMed 0.00001; gnomAD exomes 0.00002; ExAC 0.00003; gnomAD 0.00003.
gnomAD v4.1: 39 of 1,613,364 alleles (0.0024%); highest among the groups gnomAD compares: Non-Finnish European, 0.0032%; no homozygotes.

Submissions (2):

Labcorp Genetics (formerly Invitae), Labcorp
Classification: Uncertain significance. Last evaluated: 2025-07-30. Review status: criteria provided, single submitter. Criteria: Invitae Variant Classification Sherloc (09022015). Collection method: clinical testing. Allele origin: germline.
Comment: This sequence change replaces threonine, which is neutral and polar, with methionine, which is neutral and non-polar, at codon 112 of the EFTUD2 protein (p.Thr112Met). This variant is present in population databases (rs759029404, gnomAD 0.007%). This variant has not been reported in the literature in individuals affected with EFTUD2-related conditions. ClinVar contains an entry for this variant (Variation ID: 2463713). An algorithm developed to predict the effect of missense changes on protein structure and function (PolyPhen-2) suggests that this variant is likely to be disruptive. In summary, the available evidence is currently insufficient to determine the role of this variant in disease. Therefore, it has been classified as a Variant of Uncertain Significance.

Ambry Genetics
Classification: Likely benign for Inborn genetic diseases. Last evaluated: 2023-01-18. Review status: criteria provided, single submitter. Criteria: Ambry Variant Classification Scheme 2023. Collection method: clinical testing. Allele origin: germline.